The following is an entry in ClinVar:

ClinVar aggregate classification (germline): Likely pathogenic (1 of 4 stars; one submission).

Submission:

GeneDx
Classification: Likely pathogenic. Last evaluated: 2026-01-28. Review status: criteria provided, single submitter. Criteria: GeneDx Variant Classification Process June 2021. Collection method: clinical testing. Allele origin: germline.
Comment: In silico analysis supports that this missense variant has a deleterious effect on protein structure/function; Not observed at significant frequency in large population cohorts (gnomAD); This variant is associated with the following publications: (PMID: 36367347, 29997391)

NM_152743.4(BRAT1):c.968C>T (p.Pro323Leu)

Gene: BRAT1 (BRCA1 associated ATM activator 1; minus strand). Cytogenetic location: 7p22.3.
Variant type: single nucleotide variant.
Coding change: c.968C>T on transcript NM_152743.4 (MANE Select); coding-DNA position 968, C replaced by T.
Protein change: p.Pro323Leu; replaces proline 323 with leucine.
Molecular consequence: missense variant. On other transcripts: non-coding transcript variant (1).
Genome position (GRCh38, 1-based): chr7:2,542,167, G>A on the plus strand (C>T on the coding strand, the complement: BRAT1 is on the minus strand). VCF-style: chr7-2542167-G-A. GRCh37 (hg19) VCF-style: chr7-2581801-G-A.
Other names: c.968C>T, p.Pro323Leu (NM_001350626.2); c.443C>T, p.Pro148Leu (NM_001350627.2); short protein forms P148L, P323L.
Identifiers: ClinVar variation 3899470 (VCV003899470.2).